The following is an entry in ClinVar:

NM_005751.5(AKAP9):c.4594A>G (p.Asn1532Asp)

Gene: AKAP9 (A-kinase anchoring protein 9; plus strand). Cytogenetic location: 7q21.2.
Variant type: single nucleotide variant.
Coding change: c.4594A>G on transcript NM_005751.5 (MANE Select); coding-DNA position 4594, A replaced by G.
Protein change: p.Asn1532Asp; replaces asparagine 1532 with aspartic acid.
Molecular consequence: missense variant.
Genome position (GRCh38, 1-based): chr7:92,038,674, A>G. VCF-style: chr7-92038674-A-G. GRCh37 (hg19) VCF-style: chr7-91667988-A-G.
Other names: c.4594A>G, p.Asn1532Asp (NM_147185.3); short protein forms N1532D.
Identifiers: ClinVar variation 571076 (VCV000571076.11), dbSNP rs368059326, ClinGen allele CA4336594.

ClinVar aggregate classification (germline): Conflicting classifications of pathogenicity. Review status: criteria provided, conflicting classifications (1 of 4 stars). 2 submissions from 2 submitters: Uncertain significance (1); Likely benign (1). Last evaluated 2025-12-24.

Conditions:
Cardiovascular phenotype. Identifiers: MedGen CN230736.
Long QT syndrome (LQTS). Identifiers: MedGen C0023976, MeSH D008133, MONDO:0002442. Disease mechanism: loss of function. Inheritance: Various modes of inheritance.

Allele frequency attached by ClinVar (database versions not stated): gnomAD exomes 0.00001; ExAC 0.00002; TOPMed 0.00004; gnomAD 0.00005; ESP Exome Variant Server 0.00015.
gnomAD v4.1: 10 of 1,610,072 alleles (0.00062%); highest among the groups gnomAD compares: African/African-American, 0.013%; no homozygotes.

Submissions (2):

Labcorp Genetics (formerly Invitae), Labcorp
Classification: Uncertain significance for Long QT syndrome. Last evaluated: 2025-12-24. Review status: criteria provided, single submitter. Criteria: Invitae Variant Classification Sherloc (09022015). Collection method: clinical testing. Allele origin: germline.
Comment: This sequence change replaces asparagine, which is neutral and polar, with aspartic acid, which is acidic and polar, at codon 1532 of the AKAP9 protein (p.Asn1532Asp). This variant is present in population databases (rs368059326, gnomAD 0.01%). This variant has not been reported in the literature in individuals affected with AKAP9-related conditions. ClinVar contains an entry for this variant (Variation ID: 571076). An algorithm developed to predict the effect of missense changes on protein structure and function (PolyPhen-2) suggests that this variant is likely to be tolerated. In summary, the available evidence is currently insufficient to determine the role of this variant in disease. Therefore, it has been classified as a Variant of Uncertain Significance.

Ambry Genetics
Classification: Likely benign for Cardiovascular phenotype. Last evaluated: 2024-10-08. Review status: criteria provided, single submitter. Criteria: Ambry Variant Classification Scheme 2023. Collection method: clinical testing. Allele origin: germline.